The following is an entry in ClinVar:

NM_000531.6(OTC):c.774T>A (p.Asn258Lys)

Gene: OTC (ornithine transcarbamylase; plus strand). Cytogenetic location: Xp11.4.
Variant type: single nucleotide variant.
Coding change: c.774T>A on transcript NM_000531.6 (MANE Select); coding-DNA position 774, T replaced by A.
Protein change: p.Asn258Lys; replaces asparagine 258 with lysine.
Molecular consequence: missense variant.
Genome position (GRCh38, 1-based): chrX:38,408,932, T>A. VCF-style: chrX-38408932-T-A. GRCh37 (hg19) VCF-style: chrX-38268185-T-A.
Other names: short protein forms N258K.
Identifiers: ClinVar variation 1020885 (VCV001020885.9), dbSNP rs777282515, ClinGen allele CA412722783.

ClinVar aggregate classification (germline): Uncertain significance (1 of 4 stars; one submission).

Conditions:
Ornithine carbamoyltransferase deficiency (OTCD). Also called: ORNITHINE TRANSCARBAMYLASE DEFICIENCY, HYPERAMMONEMIA DUE TO; ORNITHINE TRANSCARBAMYLASE DEFICIENCY; Ornithine Carbamoyltransferase Deficiency Disease; OTC DEFICIENCY. Identifiers: Orphanet 664, MedGen C0268542, MONDO:0010703, OMIM 311250.

Submission:

Labcorp Genetics (formerly Invitae), Labcorp
Classification: Uncertain significance for Ornithine carbamoyltransferase deficiency. Last evaluated: 2020-09-07. Review status: criteria provided, single submitter. Criteria: Invitae Variant Classification Sherloc (09022015). Collection method: clinical testing. Allele origin: germline.
Comment: In summary, the available evidence is currently insufficient to determine the role of this variant in disease. Therefore, it has been classified as a Variant of Uncertain Significance. Advanced modeling of protein sequence and biophysical properties (such as structural, functional, and spatial information, amino acid conservation, physicochemical variation, residue mobility, and thermodynamic stability) performed at Invitae indicates that this missense variant is expected to disrupt OTC protein function. This variant has not been reported in the literature in individuals with OTC-related conditions. This variant is not present in population databases (ExAC no frequency). This sequence change replaces asparagine with lysine at codon 258 of the OTC protein (p.Asn258Lys). The asparagine residue is highly conserved and there is a moderate physicochemical difference between asparagine and lysine.